The following is an entry in ClinVar:

NM_000368.5(TSC1):c.2796T>C (p.Asp932=)

Gene: TSC1 (TSC complex subunit 1; minus strand). Cytogenetic location: 9q34.13.
Variant type: single nucleotide variant.
Coding change: c.2796T>C on transcript NM_000368.5 (MANE Select); coding-DNA position 2796, T replaced by C.
Protein change: p.Asp932=; no amino-acid change (aspartic acid 932 retained).
Molecular consequence: synonymous variant.
Genome position (GRCh38, 1-based): chr9:132,897,440, A>G on the plus strand (T>C on the coding strand, the complement: TSC1 is on the minus strand). VCF-style: chr9-132897440-A-G. GRCh37 (hg19) VCF-style: chr9-135772827-A-G.
Other names: c.2793T>C, p.Asp931= (NM_001162426.2); c.2643T>C, p.Asp881= (NM_001162427.2); c.2433T>C, p.Asp811= (NM_001362177.2).
Identifiers: ClinVar variation 1121520 (VCV001121520.13), dbSNP rs766871150, ClinGen allele CA034615.

ClinVar aggregate classification (germline): Benign/Likely benign. Review status: criteria provided, multiple submitters, no conflicts (2 of 4 stars). 4 submissions from 4 submitters: Benign (1); Likely benign (3). Last evaluated 2025-10-13.

Conditions:
Tuberous sclerosis syndrome (TSC). Also called: Tuberous Sclerosis Complex; Tuberous sclerosis. Identifiers: Orphanet 805, MedGen C0041341, MONDO:0001734.
Hereditary cancer-predisposing syndrome. Also called: Neoplastic Syndromes, Hereditary; Hereditary Cancer Syndrome; Hereditary neoplastic syndrome; Tumor predisposition. Identifiers: Orphanet 140162, MedGen C0027672, MeSH D009386, MONDO:0015356.
Tuberous sclerosis 1 (TSC1). Identifiers: Orphanet 805, MedGen C1854465, MONDO:0008612, OMIM 191100.

Allele frequency attached by ClinVar (database versions not stated): ExAC 0.00001; gnomAD 0.00001; gnomAD exomes 0.00001; TOPMed 0.00001.
gnomAD v4.1: 3 of 1,614,068 alleles (0.00019%); highest among the groups gnomAD compares: African/African-American, 0.0027%; no homozygotes.

Submissions (4):

Labcorp Genetics (formerly Invitae), Labcorp
Classification: Likely benign for Tuberous sclerosis 1. Last evaluated: 2025-10-13. Review status: criteria provided, single submitter. Criteria: Invitae Variant Classification Sherloc (09022015). Collection method: clinical testing. Allele origin: germline.

Myriad Genetics, Inc.
Classification: Benign for Tuberous sclerosis 1. Last evaluated: 2025-04-29. Review status: criteria provided, single submitter. Criteria: Myriad Autosomal Dominant, Autosomal Recessive and X-Linked Classification Criteria (2023). Collection method: clinical testing. Allele origin: unknown.
Comment: This variant is considered benign. This variant is a silent/synonymous amino acid change and it is not expected to impact splicing.

All of Us Research Program, National Institutes of Health
Classification: Likely benign for Tuberous sclerosis syndrome. Last evaluated: 2024-07-20. Review status: criteria provided, single submitter. Criteria: ACMG Guidelines, 2015. Collection method: clinical testing. Allele origin: germline. Inheritance: Autosomal dominant inheritance. Observed: 1 variant allele, 1 heterozygote.
Comment: This study involves interpretation of variants in research participants for the purpose of population health screening. Participant phenotype was not available at the time of variant classification. Additional details can be found in publication PMID: 35346344, PMCID: PMC8962531

Ambry Genetics
Classification: Likely benign for Hereditary cancer-predisposing syndrome. Last evaluated: 2019-10-31. Review status: criteria provided, single submitter. Criteria: Ambry Variant Classification Scheme 2023. Collection method: clinical testing. Allele origin: germline.